The following is an entry in ClinVar:

ClinVar aggregate classification (germline): Conflicting classifications of pathogenicity. Review status: criteria provided, conflicting classifications (1 of 4 stars). 3 submissions from 3 submitters: Uncertain significance (1); Likely benign (2). Last evaluated 2024-04-22.

Conditions:
Inborn genetic diseases. Identifiers: MedGen C0950123, MeSH D030342.
Hypophosphatemic nephrolithiasis/osteoporosis 1. Identifiers: Orphanet 244305, MedGen C2676786, MONDO:0012850, OMIM 612286.

Allele frequency attached by ClinVar (database versions not stated): TOPMed below 0.00001; ExAC 0.00003; gnomAD exomes 0.00004 and 0.00006.

Submissions (3):

Ambry Genetics
Classification: Likely benign for Inborn genetic diseases. Last evaluated: 2024-04-22. Review status: criteria provided, single submitter. Criteria: Ambry Variant Classification Scheme 2023. Collection method: clinical testing. Allele origin: germline.

Labcorp Genetics (formerly Invitae), Labcorp
Classification: Uncertain significance. Last evaluated: 2022-01-20. Review status: criteria provided, single submitter. Criteria: Invitae Variant Classification Sherloc (09022015). Collection method: clinical testing. Allele origin: germline.
Comment: This sequence change replaces serine, which is neutral and polar, with threonine, which is neutral and polar, at codon 295 of the SLC34A1 protein (p.Ser295Thr). This variant is present in population databases (rs763096294, gnomAD 0.06%). This variant has not been reported in the literature in individuals affected with SLC34A1-related conditions. ClinVar contains an entry for this variant (Variation ID: 352967). Algorithms developed to predict the effect of missense changes on protein structure and function output the following: SIFT: "Tolerated"; PolyPhen-2: "Benign"; Align-GVGD: "Class C0". The threonine amino acid residue is found in multiple mammalian species, which suggests that this missense change does not adversely affect protein function. In summary, the available evidence is currently insufficient to determine the role of this variant in disease. Therefore, it has been classified as a Variant of Uncertain Significance.

Illumina Laboratory Services, Illumina
Classification: Likely benign for Hypophosphatemic nephrolithiasis/osteoporosis 1. Last evaluated: 2018-01-12. Review status: criteria provided, single submitter. Criteria: ICSL Variant Classification Criteria 13 December 2019. Collection method: clinical testing. Allele origin: germline.
Comment: This variant was observed in the ICSL laboratory as part of a predisposition screen in an ostensibly healthy population. It had not been previously curated by ICSL or reported in the Human Gene Mutation Database (HGMD: prior to June 1st, 2018), and was therefore a candidate for classification through an automated scoring system. Utilizing variant allele frequency, disease prevalence and penetrance estimates, and inheritance mode, an automated score was calculated to assess if this variant is too frequent to cause the disease. Based on the score and internal cut-off values, a variant classified as likely benign is not then subjected to further curation. The score for this variant resulted in a classification of likely benign for this disease.

NM_003052.5(SLC34A1):c.883T>A (p.Ser295Thr)

Gene: SLC34A1 (solute carrier family 34 member 1; plus strand). Cytogenetic location: 5q35.3.
Variant type: single nucleotide variant.
Coding change: c.883T>A on transcript NM_003052.5 (MANE Select); coding-DNA position 883, T replaced by A.
Protein change: p.Ser295Thr; replaces serine 295 with threonine.
Molecular consequence: missense variant.
Genome position (GRCh38, 1-based): chr5:177,388,319, T>A. VCF-style: chr5-177388319-T-A. GRCh37 (hg19) VCF-style: chr5-176815320-T-A.
Other names: c.883T>A, p.Ser295Thr (NM_001167579.2); short protein forms S295T.
Identifiers: ClinVar variation 352967 (VCV000352967.9), dbSNP rs763096294, ClinGen allele CA3580551.